The following is an entry in ClinVar:

ClinVar aggregate classification (germline): Uncertain significance. Review status: criteria provided, multiple submitters, no conflicts (2 of 4 stars). 2 submissions from 2 submitters: Uncertain significance (2). Last evaluated 2025-08-25.

Conditions:
Inborn genetic diseases. Identifiers: MedGen C0950123, MeSH D030342.

Allele frequency attached by ClinVar (database versions not stated): gnomAD exomes 0.00005; ExAC 0.00009; gnomAD 0.00013 and 0.00015; TOPMed 0.00015.
gnomAD v4.1: 34 of 1,594,530 alleles (0.0021%); highest among the groups gnomAD compares: African/African-American, 0.039%; no homozygotes.

Submissions (2):

Ambry Genetics
Classification: Uncertain significance for Inborn genetic diseases. Last evaluated: 2025-08-25. Review status: criteria provided, single submitter. Criteria: Ambry Variant Classification Scheme 2023. Collection method: clinical testing. Allele origin: germline.

Labcorp Genetics (formerly Invitae), Labcorp
Classification: Uncertain significance. Last evaluated: 2022-10-24. Review status: criteria provided, single submitter. Criteria: Invitae Variant Classification Sherloc (09022015). Collection method: clinical testing. Allele origin: germline.
Comment: This sequence change replaces glycine, which is neutral and non-polar, with serine, which is neutral and polar, at codon 604 of the MPDZ protein (p.Gly604Ser). This variant is present in population databases (rs368938835, gnomAD 0.05%). This variant has not been reported in the literature in individuals affected with MPDZ-related conditions. ClinVar contains an entry for this variant (Variation ID: 1387015). Algorithms developed to predict the effect of missense changes on protein structure and function (SIFT, PolyPhen-2, Align-GVGD) all suggest that this variant is likely to be disruptive. In summary, the available evidence is currently insufficient to determine the role of this variant in disease. Therefore, it has been classified as a Variant of Uncertain Significance.

NM_001378778.1(MPDZ):c.1810G>A (p.Gly604Ser)

Gene: MPDZ (multiple PDZ domain crumbs cell polarity complex component; minus strand). Cytogenetic location: 9p23.
Variant type: single nucleotide variant.
Coding change: c.1810G>A on transcript NM_001378778.1 (MANE Select); coding-DNA position 1810, G replaced by A.
Protein change: p.Gly604Ser; replaces glycine 604 with serine.
Molecular consequence: missense variant.
Genome position (GRCh38, 1-based): chr9:13,192,289, C>T on the plus strand (G>A on the coding strand, the complement: MPDZ is on the minus strand). VCF-style: chr9-13192289-C-T. GRCh37 (hg19) VCF-style: chr9-13192288-C-T.
Other names: c.1810G>A, p.Gly604Ser (NM_001375419.1, NM_001375420.1, NM_001375421.1 and 14 more transcripts); c.1810G>A (NM_003829.3); short protein forms G604S.
Identifiers: ClinVar variation 1387015 (VCV001387015.6), dbSNP rs368938835, ClinGen allele CA4987653.
Genomic context (GRCh38, chr9:13,192,289, plus strand): 5'-TAGGCAGTTCTTTTAAGATATTCACCACATCTTGGTGATTTTCCCCAAGTAAAGTTATGC[C>T]ATTTACCTGTGAAAAAAGATACATTGTCCAACAAACAACACTTCATAATATGAACATTCT-3'
Protein context (NP_001365707.1, residues 594-614): FSGDELLEVN[Gly604Ser]ITLLGENHQD